The following is an entry in ClinVar:

ClinVar aggregate classification (germline): Uncertain significance (1 of 4 stars; one submission).

Conditions:
Developmental and epileptic encephalopathy, 1 (DEE1). Also called: X-linked infantile spasms; West's syndrome; Tonic spasms with clustering, arrest of psychomotor development and hypsarrhythmia on EEG; X-Linked Infantile Spasm Syndrome; OHTAHARA SYNDROME, X-LINKED; INFANTILE SPASM SYNDROME, X-LINKED 1. Identifiers: MedGen C3463992, MONDO:0010632, OMIM 308350. Disease mechanism: loss of function.
Intellectual disability, X-linked, with or without seizures, ARX-related. Also called: Mental retardation, X-linked 52; MENTAL RETARDATION, X-LINKED 29; MENTAL RETARDATION, X-LINKED 32; MENTAL RETARDATION, X-LINKED 33; MENTAL RETARDATION, X-LINKED 38; MENTAL RETARDATION, X-LINKED 43. Identifiers: Orphanet 777, MedGen C0796244, MONDO:0010317, OMIM 300419.

Submission:

Labcorp Genetics (formerly Invitae), Labcorp
Classification: Uncertain significance for Developmental and epileptic encephalopathy, 1; Intellectual disability, X-linked, with or without seizures, ARX-related. Last evaluated: 2023-09-29. Review status: criteria provided, single submitter. Criteria: Invitae Variant Classification Sherloc (09022015). Collection method: clinical testing. Allele origin: germline.
Comment: This variant is not present in population databases (gnomAD no frequency). In summary, the available evidence is currently insufficient to determine the role of this variant in disease. Therefore, it has been classified as a Variant of Uncertain Significance. Variants that disrupt the consensus splice site are a relatively common cause of aberrant splicing (PMID: 17576681, 9536098). Algorithms developed to predict the effect of sequence changes on RNA splicing suggest that this variant may disrupt the consensus splice site. Disruption of this splice site has been observed in individual(s) with developmental and epileptic encephalopathy (PMID: 31145546). It has also been observed to segregate with disease in related individuals. This sequence change affects an acceptor splice site in intron 4 of the ARX gene. While this variant is not anticipated to result in nonsense mediated decay, it likely alters RNA splicing and results in a disrupted protein product.

Literature cited by the submitters: PubMed 17576681; PubMed 9536098; PubMed 31145546.

NM_139058.3(ARX):c.1449-1G>C

Gene: ARX (aristaless related homeobox; minus strand). Cytogenetic location: Xp21.3.
Variant type: single nucleotide variant.
Coding change: c.1449-1G>C on transcript NM_139058.3 (MANE Select); the canonical splice acceptor site of the intron before coding-DNA position 1449, G replaced by C.
Molecular consequence: splice acceptor variant.
Genome position (GRCh38, 1-based): chrX:25,004,911, C>G on the plus strand (G>C on the coding strand, the complement: ARX is on the minus strand). VCF-style: chrX-25004911-C-G. GRCh37 (hg19) VCF-style: chrX-25023028-C-G.
Identifiers: ClinVar variation 2931862 (VCV002931862.3), dbSNP rs2519099509, ClinGen allele CA412610983.